The following is an entry in ClinVar:

NM_017780.4(CHD7):c.5448C>G (p.Cys1816Trp)

Gene: CHD7 (chromodomain helicase DNA binding protein 7; plus strand). Cytogenetic location: 8q12.2.
Variant type: single nucleotide variant.
Coding change: c.5448C>G on transcript NM_017780.4 (MANE Select); coding-DNA position 5448, C replaced by G.
Protein change: p.Cys1816Trp; replaces cysteine 1816 with tryptophan.
Molecular consequence: missense variant. On other transcripts: intron variant (1).
Genome position (GRCh38, 1-based): chr8:60,850,536, C>G. VCF-style: chr8-60850536-C-G. GRCh37 (hg19) VCF-style: chr8-61763095-C-G.
Other names: c.1717-11693C>G (NM_001316690.1); short protein forms C1816W.
Identifiers: ClinVar variation 5007322 (VCV005007322.2).

ClinVar aggregate classification (germline): Uncertain significance (1 of 4 stars; one submission).

Conditions:
CHD7-related CHARGE syndrome. Identifiers: MedGen CN380413, MONDO:1010178, OMIM 214800.
Hypogonadotropic hypogonadism 5 with or without anosmia (KAL5). Also called: HYPOGONADOTROPIC HYPOGONADISM 5 WITH ANOSMIA; HYPOGONADOTROPHIC HYPOGONADISM 5 WITHOUT ANOSMIA; CHD7-Related GnRH Deficiency (Kallmann Syndrome 5). Identifiers: Orphanet 478, MedGen C3552553, MONDO:0012880, OMIM 612370. Disease mechanism: loss of function.

Submission:

Juno Genomics, Hangzhou Juno Genomics, Inc
Classification: Uncertain significance for CHD7-related CHARGE syndrome; Hypogonadotropic hypogonadism 5 with or without anosmia. Review status: criteria provided, single submitter. Criteria: ACMG Guidelines, 2015. Collection method: clinical testing. Allele origin: germline.
Comment: Absent from controls (or at extremely low frequency if recessive) in Genome Aggregation Database.;Multiple lines of computational evidence support a deleterious effect on the gene or gene product.